The following is an entry in ClinVar:

ClinVar aggregate classification (germline): Benign/Likely benign. Review status: criteria provided, multiple submitters, no conflicts (2 of 4 stars). 5 submissions from 5 submitters: Benign (2); Likely benign (3). Last evaluated 2025-11-10.

Conditions:
Inborn genetic diseases. Identifiers: MedGen C0950123, MeSH D030342.
Autosomal dominant intellectual disability-craniofacial anomalies-cardiac defects syndrome (ARTHS). Also called: KAT6A syndrome; Mental retardation, autosomal dominant 32; Arboleda-Tham syndrome. Identifiers: Orphanet 457193, MedGen C4225396, MONDO:0014558, OMIM 616268.

Allele frequency attached by ClinVar (database versions not stated): ESP Exome Variant Server 0.00008; ExAC 0.00012; gnomAD 0.00014; gnomAD exomes 0.00014; 1000 Genomes Project 30x 0.00016; 1000 Genomes Project 0.00020; TOPMed 0.00021.
gnomAD v4.1: 344 of 1,614,090 alleles (0.021%); highest among the groups gnomAD compares: Non-Finnish European, 0.027%; no homozygotes.

Submissions (5):

Labcorp Genetics (formerly Invitae), Labcorp
Classification: Likely benign. Last evaluated: 2025-11-10. Review status: criteria provided, single submitter. Criteria: Invitae Variant Classification Sherloc (09022015). Collection method: clinical testing. Allele origin: germline.

CeGaT Center for Human Genetics Tuebingen
Classification: Likely benign. Last evaluated: 2025-07-01. Review status: criteria provided, single submitter. Criteria: CeGaT Center For Human Genetics Tuebingen Variant Classification Criteria Version 2. Collection method: clinical testing. Allele origin: germline. Affected: yes. Observed: 4 variant alleles.
Comment: KAT6A: BS1

Department of Pathology and Laboratory Medicine, Sinai Health System
Classification: Likely benign for Autosomal dominant intellectual disability-craniofacial anomalies-cardiac defects syndrome. Last evaluated: 2022-04-06. Review status: criteria provided, single submitter. Criteria: ACMG Guidelines, 2015. Collection method: research. Allele origin: germline.

Ambry Genetics
Classification: Benign for Inborn genetic diseases. Last evaluated: 2020-07-07. Review status: criteria provided, single submitter. Criteria: Ambry Variant Classification Scheme 2023. Collection method: clinical testing. Allele origin: germline.

GeneDx
Classification: Benign. Last evaluated: 2019-10-21. Review status: criteria provided, single submitter. Criteria: GeneDx Variant Classification Process June 2021. Collection method: clinical testing. Allele origin: germline. Affected: yes.

NM_006766.5(KAT6A):c.5597C>G (p.Ser1866Cys)

Gene: KAT6A (lysine acetyltransferase 6A; minus strand). Cytogenetic location: 8p11.21.
Variant type: single nucleotide variant.
Coding change: c.5597C>G on transcript NM_006766.5 (MANE Select); coding-DNA position 5597, C replaced by G.
Protein change: p.Ser1866Cys; replaces serine 1866 with cysteine.
Molecular consequence: missense variant.
Genome position (GRCh38, 1-based): chr8:41,932,623, G>C on the plus strand (C>G on the coding strand, the complement: KAT6A is on the minus strand). VCF-style: chr8-41932623-G-C. GRCh37 (hg19) VCF-style: chr8-41790141-G-C.
Other names: short protein forms S1866C.
Identifiers: ClinVar variation 1287491 (VCV001287491.32), dbSNP rs181712540, ClinGen allele CA4729281.